The following is an entry in ClinVar:

NM_080425.4(GNAS):c.1656G>A (p.Arg552=)

Gene: GNAS (GNAS complex locus; plus strand). Cytogenetic location: 20q13.32.
Variant type: single nucleotide variant.
Coding change: c.1656G>A on transcript NM_080425.4 (MANE Plus Clinical); coding-DNA position 1656, G replaced by A.
Protein change: p.Arg552=; no amino-acid change (arginine 552 retained).
Molecular consequence: synonymous variant. On other transcripts: missense variant (2), intron variant (3).
Genome position (GRCh38, 1-based): chr20:58,854,921, G>A. VCF-style: chr20-58854921-G-A. GRCh37 (hg19) VCF-style: chr20-57429976-G-A.
Other names: c.1469G>A, p.Gly490Glu (NM_001077490.3, NM_001309883.1); c.1656G>A, p.Arg552= (NM_001410913.1); c.*42+14035G>A (NM_016592.5); c.43+14035G>A (NM_001410912.1); c.-39+13046G>A (NM_001309861.2); short protein forms G490E.
Identifiers: ClinVar variation 5001430 (VCV005001430.1).

ClinVar aggregate classification (germline): Uncertain significance (1 of 4 stars; one submission).

Conditions:
GNAS-related disorder. Identifiers: MedGen CN380105.

gnomAD v4.1: 1 of 1,600,178 alleles (0.000062%); highest among the groups gnomAD compares: Non-Finnish European, 0.000085%; no homozygotes.

Submission:

PreventionGenetics, part of Exact Sciences
Classification: Uncertain significance for GNAS-related condition. Last evaluated: 2025-04-25. Review status: criteria provided, single submitter. Criteria: ACMG Guidelines, 2015. Collection method: clinical testing. Allele origin: germline.
Comment: The GNAS c.1469G>A variant is predicted to result in the amino acid substitution p.Gly490Glu. To our knowledge, this variant has not been reported in the literature or in a large population database (gnomAD), indicating this variant is rare. At this time, the clinical significance of this variant is uncertain due to the absence of conclusive functional and genetic evidence.